The following is an entry in ClinVar:

ClinVar aggregate classification (germline): Uncertain significance (1 of 4 stars; one submission).

Conditions:
POLD1-related polyposis and colorectal cancer syndrome (CRCS10). Also called: Colorectal cancer 10; COLORECTAL CANCER, SUSCEPTIBILITY TO, ON CHROMOSOME 19q; Colorectal cancer, susceptibility to, 10. Identifiers: Orphanet 220460, MedGen C2675481, MONDO:0012953, OMIM 612591.

Submission:

Labcorp Genetics (formerly Invitae), Labcorp
Classification: Uncertain significance for POLD1-related polyposis and colorectal cancer syndrome. Last evaluated: 2024-06-12. Review status: criteria provided, single submitter. Criteria: Invitae Variant Classification Sherloc (09022015). Collection method: clinical testing. Allele origin: germline.
Comment: This sequence change replaces asparagine, which is neutral and polar, with serine, which is neutral and polar, at codon 397 of the POLD1 protein (p.Asn397Ser). This variant is not present in population databases (gnomAD no frequency). This variant has not been reported in the literature in individuals affected with POLD1-related conditions. Advanced modeling of protein sequence and biophysical properties (such as structural, functional, and spatial information, amino acid conservation, physicochemical variation, residue mobility, and thermodynamic stability) has been performed at Invitae for this missense variant, however the output from this modeling did not meet the statistical confidence thresholds required to predict the impact of this variant on POLD1 protein function. In summary, the available evidence is currently insufficient to determine the role of this variant in disease. Therefore, it has been classified as a Variant of Uncertain Significance.

NM_002691.4(POLD1):c.1190A>G (p.Asn397Ser)

Gene: POLD1 (DNA polymerase delta 1, catalytic subunit; plus strand). Cytogenetic location: 19q13.33.
Variant type: single nucleotide variant.
Coding change: c.1190A>G on transcript NM_002691.4 (MANE Select); coding-DNA position 1190, A replaced by G.
Protein change: p.Asn397Ser; replaces asparagine 397 with serine.
Molecular consequence: missense variant. On other transcripts: non-coding transcript variant (1).
Genome position (GRCh38, 1-based): chr19:50,403,545, A>G. VCF-style: chr19-50403545-A-G. GRCh37 (hg19) VCF-style: chr19-50906802-A-G.
Other names: c.1190A>G, p.Asn397Ser (NM_001256849.1, NM_001308632.1); short protein forms N397S.
Identifiers: ClinVar variation 3656375 (VCV003656375.2).